The following is an entry in ClinVar:

ClinVar aggregate classification (germline): Pathogenic (1 of 4 stars; one submission).

Conditions:
Tuberous sclerosis 1 (TSC1). Identifiers: Orphanet 805, MedGen C1854465, MONDO:0008612, OMIM 191100.

Submission:

Labcorp Genetics (formerly Invitae), Labcorp
Classification: Pathogenic for Tuberous sclerosis 1. Last evaluated: 2018-04-04. Review status: criteria provided, single submitter. Criteria: Invitae Variant Classification Sherloc (09022015). Collection method: clinical testing. Allele origin: germline.
Comment: This variant has not been reported in the literature in individuals with TSC1-related disease. This variant is not present in population databases (ExAC no frequency). This sequence change creates a premature translational stop signal (p.Asn849Glyfs*22) in the TSC1 gene. It is expected to result in an absent or disrupted protein product. Loss-of-function variants in TSC1 are known to be pathogenic (PMID: 10227394, 17304050). For these reasons, this variant has been classified as Pathogenic.

Literature cited by the submitters: PubMed 10227394; PubMed 17304050.

NM_000368.5(TSC1):c.2545_2566del (p.Asn849fs)

Gene: TSC1 (TSC complex subunit 1; minus strand). Cytogenetic location: 9q34.13.
Variant type: Deletion.
Coding change: c.2545_2566del on transcript NM_000368.5 (MANE Select); coding-DNA positions 2545 to 2566, 22 bases deleted (AACAGGCAGCTGTTGGTTCTTG).
Protein change: p.Asn849fs; shifts the reading frame from asparagine 849.
Molecular consequence: frameshift variant.
Genome position (GRCh38, 1-based): chr9:132,900,774-132,900,795, CAAGAACCAACAGCTGCCTGTT deleted on the plus strand (AACAGGCAGCTGTTGGTTCTTG on the coding strand, the reverse complement: TSC1 is on the minus strand); deleting any 22 consecutive bases within chr9:132,900,774-132,900,802 gives the same sequence; the c. name uses the placement nearest the transcript's 3' end. VCF-style (leftmost placement, unchanged base first): chr9-132900773-CCAAGAACCAACAGCTGCCTGTT-C. GRCh37 (hg19) VCF-style: chr9-135776160-CCAAGAACCAACAGCTGCCTGTT-C.
Other names: c.2542_2563del, p.Asn848fs (NM_001162426.2); c.2392_2413del, p.Asn798fs (NM_001162427.2); c.2182_2203del, p.Asn728fs (NM_001362177.2); c.2545_2566delAACAGGCAGCTGTTGGTTCTTG (NM_000368.4); short protein forms N728fs, N848fs, N849fs, N798fs.
Identifiers: ClinVar variation 572590 (VCV000572590.6), dbSNP rs1564474974, ClinGen allele CA891843351.